The following is an entry in ClinVar:

NM_201384.3(PLEC):c.7700G>A (p.Arg2567Gln)

Gene: PLEC (plectin; minus strand). Cytogenetic location: 8q24.3.
Variant type: single nucleotide variant.
Coding change: c.7700G>A on transcript NM_201384.3 (MANE Select); coding-DNA position 7700, G replaced by A.
Protein change: p.Arg2567Gln; replaces arginine 2567 with glutamine.
Molecular consequence: missense variant.
Genome position (GRCh38, 1-based): chr8:143,922,121, C>T on the plus strand (G>A on the coding strand, the complement: PLEC is on the minus strand). VCF-style: chr8-143922121-C-T. GRCh37 (hg19) VCF-style: chr8-144996289-C-T.
Other names: c.7781G>A, p.Arg2594Gln (NM_000445.5); c.4400G>A, p.Arg1467Gln (NM_001410941.1); c.7658G>A, p.Arg2553Gln (NM_201378.4); c.7634G>A, p.Arg2545Gln (NM_201379.3); c.8111G>A, p.Arg2704Gln (NM_201380.4); c.7604G>A, p.Arg2535Gln (NM_201381.3); c.7700G>A, p.Arg2567Gln (NM_201382.4); c.7712G>A, p.Arg2571Gln (NM_201383.3); and 1 more; short protein forms R2535Q, R2545Q, R2567Q, R2571Q, R1467Q, R2553Q, R2594Q, R2704Q.
Identifiers: ClinVar variation 2247132 (VCV002247132.5), dbSNP rs781934092, ClinGen allele CA4925540.

ClinVar aggregate classification (germline): Uncertain significance. Review status: criteria provided, multiple submitters, no conflicts (2 of 4 stars). 4 submissions from 4 submitters: Uncertain significance (3). 1 of the submissions does not count toward it. Last evaluated 2025-08-12.

Conditions:
PLEC-related disorder. Also called: PLEC-related condition; PLEC-related disorders.
Epidermolysis bullosa simplex, Ogna type (EBS5A). Also called: Pidermolysis bullosa simplex 5A, Ogna type; EPIDERMOLYSIS BULLOSA SIMPLEX 5A, OGNA TYPE. Identifiers: Orphanet 79401, MedGen C0432317, MONDO:0007555, OMIM 131950.
Epidermolysis bullosa simplex 5C, with pyloric atresia (EBS5C). Also called: PLEC-Related Epidermolysis Bullosa with Pyloric Atresia; Epidermolysis bullosa simplex with pyloric atresia; PLEC1-Related Epidermolysis Bullosa with Pyloric Atresia. Identifiers: Orphanet 158684, MedGen C2677349, MONDO:0012807, OMIM 612138.
Autosomal recessive limb-girdle muscular dystrophy type 2Q (LGMDR17). Also called: MUSCULAR DYSTROPHY, LIMB-GIRDLE, AUTOSOMAL RECESSIVE 17. Identifiers: Orphanet 254361, MedGen C3150989, MONDO:0013390, OMIM 613723.
Epidermolysis bullosa simplex with nail dystrophy (EBS5D). Identifiers: MedGen C4225309, MONDO:0014661, OMIM 616487.
Epidermolysis bullosa simplex 5B, with muscular dystrophy (EBS5B). Also called: EPIDERMOLYSIS BULLOSA SIMPLEX AND LIMB-GIRDLE MUSCULAR DYSTROPHY; Epidermolysis bullosa simplex with muscular dystrophy. Identifiers: Orphanet 257, MedGen C2931072, MONDO:0009181, OMIM 226670.
Inborn genetic diseases. Identifiers: MedGen C0950123, MeSH D030342.

Allele frequency attached by ClinVar (database versions not stated): gnomAD 0.00003; gnomAD exomes 0.00004; TOPMed 0.00006; 1000 Genomes Project 30x 0.00016.
gnomAD v4.1: 58 of 1,544,840 alleles (0.0038%); highest among the groups gnomAD compares: Middle Eastern, 0.018%; no homozygotes.

Submissions (4):

Labcorp Genetics (formerly Invitae), Labcorp
Classification: Uncertain significance for Autosomal recessive limb-girdle muscular dystrophy type 2Q; Epidermolysis bullosa simplex, Ogna type; Epidermolysis bullosa simplex with nail dystrophy; Epidermolysis bullosa simplex 5C, with pyloric atresia; Epidermolysis bullosa simplex 5B, with muscular dystrophy. Last evaluated: 2025-08-12. Review status: criteria provided, single submitter. Criteria: Invitae Variant Classification Sherloc (09022015). Collection method: clinical testing. Allele origin: germline.
Comment: This sequence change replaces arginine, which is basic and polar, with glutamine, which is neutral and polar, at codon 2594 of the PLEC protein (p.Arg2594Gln). This variant is present in population databases (rs781934092, gnomAD 0.01%). This variant has not been reported in the literature in individuals affected with PLEC-related conditions. ClinVar contains an entry for this variant (Variation ID: 2247132). Invitae Evidence Modeling of protein sequence and biophysical properties (such as structural, functional, and spatial information, amino acid conservation, physicochemical variation, residue mobility, and thermodynamic stability) indicates that this missense variant is not expected to disrupt PLEC protein function with a negative predictive value of 80%. In summary, the available evidence is currently insufficient to determine the role of this variant in disease. Therefore, it has been classified as a Variant of Uncertain Significance.

Ambry Genetics
Classification: Uncertain significance for Inborn genetic diseases. Last evaluated: 2021-08-30. Review status: criteria provided, single submitter. Criteria: Ambry Variant Classification Scheme 2023. Collection method: clinical testing. Allele origin: germline.

Breakthrough Genomics
Classification: Uncertain significance. Review status: criteria provided, single submitter. Criteria: ACMG Guidelines, 2015. Collection method: not provided. Allele origin: germline. Inheritance: Autosomal recessive inheritance. Affected: yes.

PreventionGenetics, part of Exact Sciences
Classification: Uncertain significance for PLEC-related condition. Last evaluated: 2024-07-08. Review status: no assertion criteria provided. Collection method: clinical testing. Allele origin: germline. Not counted in ClinVar's aggregate classification.
Comment: The PLEC c.7781G>A variant is predicted to result in the amino acid substitution p.Arg2594Gln. To our knowledge, this variant has not been reported in the literature. This variant is reported in 0.013% of alleles in individuals of African descent in gnomAD. At this time, the clinical significance of this variant is uncertain due to the absence of conclusive functional and genetic evidence.